The following is an entry in ClinVar:

NM_001723.7(DST):c.7093A>G (p.Ile2365Val)

Gene: DST (dystonin; minus strand). Cytogenetic location: 6p12.1.
Variant type: single nucleotide variant.
Coding change: c.7093A>G on transcript NM_001723.7 (MANE Plus Clinical); coding-DNA position 7093, A replaced by G.
Protein change: p.Ile2365Val; replaces isoleucine 2365 with valine.
Molecular consequence: missense variant. On other transcripts: intron variant (10).
Genome position (GRCh38, 1-based): chr6:56,616,374, T>C on the plus strand (A>G on the coding strand, the complement: DST is on the minus strand). VCF-style: chr6-56616374-T-C. GRCh37 (hg19) VCF-style: chr6-56481172-T-C.
Other names: c.4930-1890A>G (NM_001374722.1, NM_001374736.1); c.4957-1890A>G (NM_001374734.1); c.4417-1890A>G (NM_001144770.2); c.4297-1890A>G (NM_001374730.1, NM_001386100.1, NM_183380.4 and 1 more transcripts); c.3319-1890A>G (NM_015548.5); c.4831-1890A>G (NM_001144769.5); short protein forms I2365V.
Identifiers: ClinVar variation 1522530 (VCV001522530.3), dbSNP rs181212502, ClinGen allele CA3870027.

ClinVar aggregate classification (germline): Uncertain significance (1 of 4 stars; one submission).

Conditions:
Hereditary sensory and autonomic neuropathy type 6. Also called: HSAN VI; Neuropathy, hereditary sensory and autonomic, type VI. Identifiers: Orphanet 314381, MedGen C3539003, MONDO:0013839, OMIM 614653.
Epidermolysis bullosa simplex 3, localized or generalized intermediate, with BP230 deficiency (EBS3). Also called: Epidermolysis bullosa simplex due to BP230 deficiency; Epidermolysis bullosa simplex, autosomal recessive 2. Identifiers: Orphanet 412181, MedGen C3809470, MONDO:0014180, OMIM 615425.

Allele frequency attached by ClinVar (database versions not stated): gnomAD 0.00003 and 0.00008; gnomAD exomes 0.00003 and 0.00012; TOPMed 0.00003; ExAC 0.00015; 1000 Genomes Project 30x 0.00062; 1000 Genomes Project 0.00080.
gnomAD v4.1: 58 of 1,613,734 alleles (0.0036%); highest among the groups gnomAD compares: East Asian, 0.13%; no homozygotes.

Submission:

Labcorp Genetics (formerly Invitae), Labcorp
Classification: Uncertain significance for Epidermolysis bullosa simplex 3, localized or generalized intermediate, with BP230 deficiency; Hereditary sensory and autonomic neuropathy type 6. Last evaluated: 2022-06-20. Review status: criteria provided, single submitter. Criteria: Invitae Variant Classification Sherloc (09022015). Collection method: clinical testing. Allele origin: germline.
Comment: This sequence change replaces isoleucine, which is neutral and non-polar, with valine, which is neutral and non-polar, at codon 2365 of the DST protein (p.Ile2365Val). This variant is present in population databases (rs181212502, gnomAD 0.2%). This variant has not been reported in the literature in individuals affected with DST-related conditions. Algorithms developed to predict the effect of missense changes on protein structure and function (SIFT, PolyPhen-2, Align-GVGD) all suggest that this variant is likely to be tolerated. In summary, the available evidence is currently insufficient to determine the role of this variant in disease. Therefore, it has been classified as a Variant of Uncertain Significance.